The following is an entry in ClinVar:

NM_001354604.2(MITF):c.737A>T (p.Asp246Val)

Gene: MITF (melanocyte inducing transcription factor; plus strand). Cytogenetic location: 3p13.
Variant type: single nucleotide variant.
Coding change: c.737A>T on transcript NM_001354604.2 (MANE Select); coding-DNA position 737, A replaced by T.
Protein change: p.Asp246Val; replaces aspartic acid 246 with valine.
Molecular consequence: missense variant.
Genome position (GRCh38, 1-based): chr3:69,941,306, A>T. VCF-style: chr3-69941306-A-T. GRCh37 (hg19) VCF-style: chr3-69990457-A-T.
Other names: c.734A>T, p.Asp245Val (NM_001354606.2, NM_006722.3, NM_001354605.2); c.686A>T, p.Asp229Val (NM_001354607.2); c.416A>T, p.Asp139Val (NM_198158.3, NM_000248.4); c.737A>T, p.Asp246Val (NM_198159.3); c.689A>T, p.Asp230Val (NM_198177.3); c.581A>T, p.Asp194Val (NM_001354608.2, NM_001184967.2); c.248A>T, p.Asp83Val (NM_198178.3); short protein forms D139V, D194V, D229V, D230V, D245V, D246V, D83V.
Identifiers: ClinVar variation 3758224 (VCV003758224.3).

ClinVar aggregate classification (germline): Uncertain significance. Review status: criteria provided, multiple submitters, no conflicts (2 of 4 stars). 2 submissions from 2 submitters: Uncertain significance (2). Last evaluated 2025-02-02.

Conditions:
Hereditary cancer-predisposing syndrome. Also called: Hereditary Cancer Syndrome; Hereditary neoplastic syndrome; Neoplastic Syndromes, Hereditary; Tumor predisposition. Identifiers: Orphanet 140162, MedGen C0027672, MeSH D009386, MONDO:0015356.
Melanoma, cutaneous malignant, susceptibility to, 8. Also called: MELANOMA AND RENAL CELL CARCINOMA, SUSCEPTIBILITY TO; Cutaneous malignant melanoma 8. Identifiers: Orphanet 293822, MedGen C3152204, MONDO:0013759, OMIM 614456.
Tietz syndrome (TADS). Also called: ALBINISM-DEAFNESS OF TIETZ; HYPOPIGMENTATION/DEAFNESS OF TIETZ; TIETZ ALBINISM-DEAFNESS SYNDROME. Identifiers: Orphanet 42665, MedGen C0391816, MONDO:0007077, OMIM 103500.
Waardenburg syndrome type 2A (WS2A). Also called: WAARDENBURG SYNDROME WITHOUT DYSTOPIA CANTHORUM. Identifiers: Orphanet 3440, MedGen C1860339, MONDO:0008671, OMIM 193510.

Submissions (2):

Ambry Genetics
Classification: Uncertain significance for Hereditary cancer-predisposing syndrome. Last evaluated: 2025-02-02. Review status: criteria provided, single submitter. Criteria: Ambry Variant Classification Scheme 2023. Collection method: clinical testing. Allele origin: germline.
Comment: The p.D139V variant (also known as c.416A>T), located in coding exon 4 of the MITF gene, results from an A to T substitution at nucleotide position 416. The aspartic acid at codon 139 is replaced by valine, an amino acid with highly dissimilar properties. This amino acid position is conserved. In addition, the in silico prediction for this alteration is inconclusive. Based on the available evidence, the clinical significance of this variant remains unclear.

Labcorp Genetics (formerly Invitae), Labcorp
Classification: Uncertain significance for Melanoma, cutaneous malignant, susceptibility to, 8; Waardenburg syndrome type 2A; Tietz syndrome. Last evaluated: 2025-01-20. Review status: criteria provided, single submitter. Criteria: Invitae Variant Classification Sherloc (09022015). Collection method: clinical testing. Allele origin: germline.
Comment: This sequence change replaces aspartic acid, which is acidic and polar, with valine, which is neutral and non-polar, at codon 139 of the MITF protein (p.Asp139Val). This variant is not present in population databases (gnomAD no frequency). This variant has not been reported in the literature in individuals affected with MITF-related conditions. Invitae Evidence Modeling of protein sequence and biophysical properties (such as structural, functional, and spatial information, amino acid conservation, physicochemical variation, residue mobility, and thermodynamic stability) indicates that this missense variant is expected to disrupt MITF protein function with a positive predictive value of 80%. In summary, the available evidence is currently insufficient to determine the role of this variant in disease. Therefore, it has been classified as a Variant of Uncertain Significance.